The following is an entry in ClinVar:

ClinVar aggregate classification (germline): Uncertain significance (1 of 4 stars; one submission).

Allele frequency attached by ClinVar (database versions not stated): gnomAD exomes below 0.00001.
gnomAD v4.1: 2 of 1,614,048 alleles (0.00012%); highest among the groups gnomAD compares: Non-Finnish European, 0.00017%; no homozygotes.

Submission:

Labcorp Genetics (formerly Invitae), Labcorp
Classification: Uncertain significance. Last evaluated: 2023-11-03. Review status: criteria provided, single submitter. Criteria: Invitae Variant Classification Sherloc (09022015). Collection method: clinical testing. Allele origin: germline.
Comment: This sequence change replaces arginine, which is basic and polar, with threonine, which is neutral and polar, at codon 292 of the MAPKAPK3 protein (p.Arg292Thr). This variant is not present in population databases (gnomAD no frequency). This variant has not been reported in the literature in individuals affected with MAPKAPK3-related conditions. An algorithm developed to predict the effect of missense changes on protein structure and function (PolyPhen-2) suggests that this variant is likely to be disruptive. In summary, the available evidence is currently insufficient to determine the role of this variant in disease. Therefore, it has been classified as a Variant of Uncertain Significance.

NM_001243925.2(MAPKAPK3):c.875G>C (p.Arg292Thr)

Gene: MAPKAPK3 (MAPK activated protein kinase 3; plus strand). Cytogenetic location: 3p21.2.
Variant type: single nucleotide variant.
Coding change: c.875G>C on transcript NM_001243925.2 (MANE Select); coding-DNA position 875, G replaced by C.
Protein change: p.Arg292Thr; replaces arginine 292 with threonine.
Molecular consequence: missense variant.
Genome position (GRCh38, 1-based): chr3:50,646,785, G>C. VCF-style: chr3-50646785-G-C. GRCh37 (hg19) VCF-style: chr3-50684216-G-C.
Other names: c.875G>C, p.Arg292Thr (NM_001243926.2, NM_004635.5); short protein forms R292T.
Identifiers: ClinVar variation 2834239 (VCV002834239.3), dbSNP rs2471708514, ClinGen allele CA352935781.